The following is an entry in ClinVar:

NM_001384900.1(SEMA3D):c.1350A>G (p.Thr450=)

Gene: SEMA3D (semaphorin 3D; minus strand). Cytogenetic location: 7q21.11.
Variant type: single nucleotide variant.
Coding change: c.1350A>G on transcript NM_001384900.1 (MANE Select); coding-DNA position 1350, A replaced by G.
Protein change: p.Thr450=; no amino-acid change (threonine 450 retained).
Molecular consequence: synonymous variant.
Genome position (GRCh38, 1-based): chr7:85,022,455, T>C on the plus strand (A>G on the coding strand, the complement: SEMA3D is on the minus strand). VCF-style: chr7-85022455-T-C. GRCh37 (hg19) VCF-style: chr7-84651771-T-C.
Other names: c.1350A>G, p.Thr450= (NM_001384901.1, NM_001384902.1, NM_001384903.1 and 1 more transcripts).
Identifiers: ClinVar variation 3355056 (VCV003355056.1).

ClinVar aggregate classification (germline): Likely benign (0 of 4 stars; one submission).

Conditions:
SEMA3D-related disorder. Also called: SEMA3D-related condition.

gnomAD v4.1: 6 of 1,612,470 alleles (0.00037%); highest among the groups gnomAD compares: African/African-American, 0.0013%; no homozygotes.

Submission:

PreventionGenetics, part of Exact Sciences
Classification: Likely benign for SEMA3D-related condition. Last evaluated: 2021-09-27. Review status: no assertion criteria provided. Collection method: clinical testing. Allele origin: germline.
Comment: This variant is classified as likely benign based on ACMG/AMP sequence variant interpretation guidelines (Richards et al. 2015 PMID: 25741868, with internal and published modifications).